The following is an entry in ClinVar:

NM_001101.5(ACTB):c.791C>A (p.Pro264His)

Gene: ACTB (actin beta; minus strand). Cytogenetic location: 7p22.1.
Variant type: single nucleotide variant.
Coding change: c.791C>A on transcript NM_001101.5 (MANE Select); coding-DNA position 791, C replaced by A.
Protein change: p.Pro264His; replaces proline 264 with histidine.
Molecular consequence: missense variant.
Genome position (GRCh38, 1-based): chr7:5,528,292, G>T on the plus strand (C>A on the coding strand, the complement: ACTB is on the minus strand). VCF-style: chr7-5528292-G-T. GRCh37 (hg19) VCF-style: chr7-5567923-G-T.
Other names: short protein forms P264H.
Identifiers: ClinVar variation 3378018 (VCV003378018.1).

ClinVar aggregate classification (germline): Likely pathogenic (1 of 4 stars; one submission).

Submission:

GeneDx
Classification: Likely pathogenic. Last evaluated: 2024-05-15. Review status: criteria provided, single submitter. Criteria: GeneDx Variant Classification Process June 2021. Collection method: clinical testing. Allele origin: germline. Affected: yes.
Comment: Not observed in large population cohorts (gnomAD); The majority of missense variants in this gene are considered pathogenic (HGMD); In silico analysis supports that this missense variant has a deleterious effect on protein structure/function; Has not been previously published as pathogenic or benign to our knowledge